The following is an entry in ClinVar:

NM_013447.4(ADGRE2):c.1012G>A (p.Glu338Lys)

Gene: ADGRE2 (adhesion G protein-coupled receptor E2; minus strand). Cytogenetic location: 19p13.12.
Variant type: single nucleotide variant.
Coding change: c.1012G>A on transcript NM_013447.4 (MANE Select); coding-DNA position 1012, G replaced by A.
Protein change: p.Glu338Lys; replaces glutamic acid 338 with lysine.
Molecular consequence: missense variant.
Genome position (GRCh38, 1-based): chr19:14,764,505, C>T on the plus strand (G>A on the coding strand, the complement: ADGRE2 is on the minus strand). VCF-style: chr19-14764505-C-T. GRCh37 (hg19) VCF-style: chr19-14875317-C-T.
Other names: c.1012G>A, p.Glu338Lys (NM_001271052.1); c.865G>A, p.Glu289Lys (NM_152916.2); c.733G>A, p.Glu245Lys (NM_152917.2); short protein forms E289K, E338K, E245K.
Identifiers: ClinVar variation 3011207 (VCV003011207.3), dbSNP rs907690549, ClinGen allele CA404459122.

ClinVar aggregate classification (germline): Uncertain significance (1 of 4 stars; one submission).

gnomAD v4.1: 11 of 1,612,986 alleles (0.00068%); highest among the groups gnomAD compares: Non-Finnish European, 0.00085%; no homozygotes.

Submission:

Labcorp Genetics (formerly Invitae), Labcorp
Classification: Uncertain significance. Last evaluated: 2023-04-26. Review status: criteria provided, single submitter. Criteria: Invitae Variant Classification Sherloc (09022015). Collection method: clinical testing. Allele origin: germline.
Comment: This sequence change replaces glutamic acid, which is acidic and polar, with lysine, which is basic and polar, at codon 338 of the ADGRE2 protein (p.Glu338Lys). This variant is not present in population databases (gnomAD no frequency). This variant has not been reported in the literature in individuals affected with ADGRE2-related conditions. An algorithm developed to predict the effect of missense changes on protein structure and function (PolyPhen-2) suggests that this variant is likely to be disruptive. In summary, the available evidence is currently insufficient to determine the role of this variant in disease. Therefore, it has been classified as a Variant of Uncertain Significance.